The following is an entry in ClinVar:

NM_002528.7(NTHL1):c.622G>T (p.Gly208Cys)

Gene: NTHL1 (nth like DNA glycosylase 1; minus strand). Cytogenetic location: 16p13.3.
Variant type: single nucleotide variant.
Coding change: c.622G>T on transcript NM_002528.7 (MANE Select); coding-DNA position 622, G replaced by T.
Protein change: p.Gly208Cys; replaces glycine 208 with cysteine.
Molecular consequence: missense variant.
Genome position (GRCh38, 1-based): chr16:2,043,630, C>A on the plus strand (G>T on the coding strand, the complement: NTHL1 is on the minus strand). VCF-style: chr16-2043630-C-A. GRCh37 (hg19) VCF-style: chr16-2093631-C-A.
Other names: c.451G>T, p.Gly151Cys (NM_001318193.2); c.292G>T, p.Gly98Cys (NM_001318194.2); c.646G>T (NM_002528.5); short protein forms G151C, G98C, G208C.
Identifiers: ClinVar variation 3664457 (VCV003664457.3).

ClinVar aggregate classification (germline): Uncertain significance. Review status: criteria provided, multiple submitters, no conflicts (2 of 4 stars). 2 submissions from 2 submitters: Uncertain significance (2). Last evaluated 2025-04-28.

Conditions:
Hereditary cancer-predisposing syndrome. Also called: Hereditary Cancer Syndrome; Hereditary neoplastic syndrome; Neoplastic Syndromes, Hereditary; Tumor predisposition. Identifiers: Orphanet 140162, MedGen C0027672, MeSH D009386, MONDO:0015356.

Submissions (2):

Ambry Genetics
Classification: Uncertain significance for Hereditary cancer-predisposing syndrome. Last evaluated: 2025-04-28. Review status: criteria provided, single submitter. Criteria: Ambry Variant Classification Scheme 2023. Collection method: clinical testing. Allele origin: germline.
Comment: The p.G216C variant (also known as c.646G>T), located in coding exon 4 of the NTHL1 gene, results from a G to T substitution at nucleotide position 646. The glycine at codon 216 is replaced by cysteine, an amino acid with highly dissimilar properties. This amino acid position is conserved. In addition, this alteration is predicted to be deleterious by in silico analysis. Based on the available evidence, the clinical significance of this variant remains unclear.

Labcorp Genetics (formerly Invitae), Labcorp
Classification: Uncertain significance. Last evaluated: 2024-09-04. Review status: criteria provided, single submitter. Criteria: Invitae Variant Classification Sherloc (09022015). Collection method: clinical testing. Allele origin: germline.
Comment: This sequence change replaces glycine, which is neutral and non-polar, with cysteine, which is neutral and slightly polar, at codon 216 of the NTHL1 protein (p.Gly216Cys). This variant is not present in population databases (gnomAD no frequency). This variant has not been reported in the literature in individuals affected with NTHL1-related conditions. An algorithm developed to predict the effect of missense changes on protein structure and function (PolyPhen-2) suggests that this variant is likely to be disruptive. In summary, the available evidence is currently insufficient to determine the role of this variant in disease. Therefore, it has been classified as a Variant of Uncertain Significance.